The following is an entry in ClinVar:

NM_003476.5(CSRP3):c.458G>T (p.Ser153Ile)

Gene: CSRP3 (cysteine and glycine rich protein 3; minus strand). Cytogenetic location: 11p15.1.
Variant type: single nucleotide variant.
Coding change: c.458G>T on transcript NM_003476.5 (MANE Select); coding-DNA position 458, G replaced by T.
Protein change: p.Ser153Ile; replaces serine 153 with isoleucine.
Molecular consequence: missense variant.
Genome position (GRCh38, 1-based): chr11:19,185,002, C>A on the plus strand (G>T on the coding strand, the complement: CSRP3 is on the minus strand). VCF-style: chr11-19185002-C-A. GRCh37 (hg19) VCF-style: chr11-19206549-C-A.
Other names: c.458G>T, p.Ser153Ile (NM_001127656.1); c.289G>T, p.Val97Phe (NM_001369404.1); short protein forms S153I, V97F.
Identifiers: ClinVar variation 2625123 (VCV002625123.2), dbSNP rs2494218647, ClinGen allele CA379887713.

ClinVar aggregate classification (germline): Uncertain significance (1 of 4 stars; one submission).

Conditions:
Cardiovascular phenotype. Identifiers: MedGen CN230736.

Allele frequency attached by ClinVar (database versions not stated): gnomAD exomes below 0.00001.
gnomAD v4.1: 1 of 1,614,220 alleles (0.000062%); highest among the groups gnomAD compares: Non-Finnish European, 0.000085%; no homozygotes.

Submission:

Ambry Genetics
Classification: Uncertain significance for Cardiovascular phenotype. Last evaluated: 2023-07-29. Review status: criteria provided, single submitter. Criteria: Ambry Variant Classification Scheme 2023. Collection method: clinical testing. Allele origin: germline.
Comment: The p.S153I variant (also known as c.458G>T), located in coding exon 4 of the CSRP3 gene, results from a G to T substitution at nucleotide position 458. The serine at codon 153 is replaced by isoleucine, an amino acid with dissimilar properties. This amino acid position is conserved. In addition, this alteration is predicted to be deleterious by in silico analysis. Since supporting evidence is limited at this time, the clinical significance of this alteration remains unclear.